The following is an entry in ClinVar:

NM_004333.6(BRAF):c.1190G>A (p.Gly397Asp)

Gene: BRAF (B-Raf proto-oncogene, serine/threonine kinase; minus strand). Cytogenetic location: 7q34.
Variant type: single nucleotide variant.
Coding change: c.1190G>A on transcript NM_004333.6 (MANE Select); coding-DNA position 1190, G replaced by A.
Protein change: p.Gly397Asp; replaces glycine 397 with aspartic acid.
Molecular consequence: missense variant. On other transcripts: intron variant (2).
Genome position (GRCh38, 1-based): chr7:140,783,145, C>T on the plus strand (G>A on the coding strand, the complement: BRAF is on the minus strand). VCF-style: chr7-140783145-C-T. GRCh37 (hg19) VCF-style: chr7-140482945-C-T.
Other names: c.1190G>A, p.Gly397Asp (NM_001354609.2, NM_001378468.1, NM_001378474.1); c.1310G>A, p.Gly437Asp (NM_001374244.1, NM_001374258.1); c.1199G>A, p.Gly400Asp (NM_001378467.1); c.1088G>A, p.Gly363Asp (NM_001378470.1); c.1034G>A, p.Gly345Asp (NM_001378472.1, NM_001378473.1); c.926G>A, p.Gly309Asp (NM_001378475.1); c.1141-62G>A (NM_001378471.1); c.1178-54G>A (NM_001378469.1); short protein forms G397D, G309D, G345D, G363D, G400D, G437D.
Identifiers: ClinVar variation 543985 (VCV000543985.9), dbSNP rs1554400237, ClinGen allele CA369589542.

ClinVar aggregate classification (germline): Uncertain significance. Review status: criteria provided, multiple submitters, no conflicts (2 of 4 stars). 2 submissions from 2 submitters: Uncertain significance (2). Last evaluated 2025-03-16.

Conditions:
Cardiofaciocutaneous syndrome 1 (CFC1). Also called: BRAF-Related Cardiofaciocutaneous Syndrome; MAP2K1-Related Cardiofaciocutaneous Syndrome; KRAS-Related Cardiofaciocutaneous Syndrome; MAP2K2-Related Cardiofaciocutaneous Syndrome. Identifiers: Orphanet 1340, MedGen CN029449, MONDO:0007265, OMIM 115150. Disease mechanism: gain of function.
LEOPARD syndrome 3 (LPRD3). Identifiers: Orphanet 500, MedGen C3150971, MONDO:0013380, OMIM 613707.
Noonan syndrome 7 (NS7). Also called: BRAF-Related Noonan Syndrome. Identifiers: Orphanet 648, MedGen C3150970, MONDO:0013379, OMIM 613706.
RASopathy. Also called: Noonan spectrum disorder; rasopathies. Identifiers: Orphanet 536391, MedGen C5555857, MONDO:0021060.

Allele frequency attached by ClinVar (database versions not stated): gnomAD exomes below 0.00001.
gnomAD v4.1: 1 of 1,613,862 alleles (0.000062%); highest among the groups gnomAD compares: Non-Finnish European, 0.000085%; no homozygotes.

Submissions (2):

Labcorp Genetics (formerly Invitae), Labcorp
Classification: Uncertain significance for RASopathy. Last evaluated: 2025-03-16. Review status: criteria provided, single submitter. Criteria: Invitae Variant Classification Sherloc (09022015). Collection method: clinical testing. Allele origin: germline.
Comment: This sequence change replaces glycine, which is neutral and non-polar, with aspartic acid, which is acidic and polar, at codon 397 of the BRAF protein (p.Gly397Asp). This variant is not present in population databases (gnomAD no frequency). This variant has not been reported in the literature in individuals affected with BRAF-related conditions. ClinVar contains an entry for this variant (Variation ID: 543985). Invitae Evidence Modeling incorporating data from in vitro experimental studies (internal data) indicates that this missense variant is not expected to disrupt BRAF function with a negative predictive value of 95%. In summary, the available evidence is currently insufficient to determine the role of this variant in disease. Therefore, it has been classified as a Variant of Uncertain Significance.

New York Genome Center
Classification: Uncertain significance for Cardiofaciocutaneous syndrome 1; LEOPARD syndrome 3; Noonan syndrome 7. Last evaluated: 2021-09-26. Review status: criteria provided, single submitter. Criteria: NYGC Assertion Criteria 2020. Collection method: clinical testing. Allele origin: germline. Observed: 1 heterozygote. Study: CSER-NYCKidSeq.